The following is an entry in ClinVar:

ClinVar aggregate classification (germline): Uncertain significance. Review status: criteria provided, multiple submitters, no conflicts (2 of 4 stars). 2 submissions from 2 submitters: Uncertain significance (2). Last evaluated 2025-01-13.

Conditions:
Inborn genetic diseases. Identifiers: MedGen C0950123, MeSH D030342.

Allele frequency attached by ClinVar (database versions not stated): gnomAD 0.00001; ExAC 0.00002.
gnomAD v4.1: 12 of 1,612,912 alleles (0.00074%); highest among the groups gnomAD compares: African/African-American, 0.004%; no homozygotes.

Submissions (2):

Labcorp Genetics (formerly Invitae), Labcorp
Classification: Uncertain significance. Last evaluated: 2025-01-13. Review status: criteria provided, single submitter. Criteria: Invitae Variant Classification Sherloc (09022015). Collection method: clinical testing. Allele origin: germline.
Comment: This sequence change replaces arginine, which is basic and polar, with cysteine, which is neutral and slightly polar, at codon 74 of the CFB protein (p.Arg74Cys). This variant is present in population databases (rs760926358, gnomAD 0.009%). This variant has not been reported in the literature in individuals affected with CFB-related conditions. ClinVar contains an entry for this variant (Variation ID: 1382472). Invitae Evidence Modeling of protein sequence and biophysical properties (such as structural, functional, and spatial information, amino acid conservation, physicochemical variation, residue mobility, and thermodynamic stability) indicates that this missense variant is expected to disrupt CFB protein function with a positive predictive value of 80%. In summary, the available evidence is currently insufficient to determine the role of this variant in disease. Therefore, it has been classified as a Variant of Uncertain Significance.

Ambry Genetics
Classification: Uncertain significance for Inborn genetic diseases. Last evaluated: 2021-10-20. Review status: criteria provided, single submitter. Criteria: Ambry Variant Classification Scheme 2023. Collection method: clinical testing. Allele origin: germline.

NM_001710.6(CFB):c.220C>T (p.Arg74Cys)

Gene: CFB (complement factor B; plus strand). Cytogenetic location: 6p21.33.
Variant type: single nucleotide variant.
Coding change: c.220C>T on transcript NM_001710.6 (MANE Select); coding-DNA position 220, C replaced by T.
Protein change: p.Arg74Cys; replaces arginine 74 with cysteine.
Molecular consequence: missense variant.
Genome position (GRCh38, 1-based): chr6:31,946,528, C>T. VCF-style: chr6-31946528-C-T. GRCh37 (hg19) VCF-style: chr6-31914305-C-T.
Other names: c.220C>T (NM_001710.5); short protein forms R74C.
Identifiers: ClinVar variation 1382472 (VCV001382472.9), dbSNP rs760926358, ClinGen allele CA3727967.